The following is an entry in ClinVar:

ClinVar aggregate classification (germline): Uncertain significance. Review status: criteria provided, multiple submitters, no conflicts (2 of 4 stars). 2 submissions from 2 submitters: Uncertain significance (2). Last evaluated 2024-08-15.

Conditions:
Autosomal recessive spastic paraplegia type 78. Identifiers: Orphanet 513436, MedGen C5567893, MONDO:0014975, OMIM 617225.
Kufor-Rakeb syndrome (KRS). Also called: PARKINSON DISEASE 9, AUTOSOMAL RECESSIVE, JUVENILE-ONSET. Identifiers: Orphanet 306674, Orphanet 314632, MedGen C1847640, MONDO:0011706, OMIM 606693.
Inborn genetic diseases. Identifiers: MedGen C0950123, MeSH D030342.

Allele frequency attached by ClinVar (database versions not stated): gnomAD exomes 0.00002 and 0.00006; ExAC 0.00003; TOPMed 0.00005; gnomAD 0.00007 and 0.00008.
gnomAD v4.1: 92 of 1,612,332 alleles (0.0057%); highest among the groups gnomAD compares: Middle Eastern, 0.016%; no homozygotes.

Submissions (2):

Labcorp Genetics (formerly Invitae), Labcorp
Classification: Uncertain significance for Kufor-Rakeb syndrome; Autosomal recessive spastic paraplegia type 78. Last evaluated: 2024-08-15. Review status: criteria provided, single submitter. Criteria: Invitae Variant Classification Sherloc (09022015). Collection method: clinical testing. Allele origin: germline.
Comment: This sequence change replaces alanine, which is neutral and non-polar, with valine, which is neutral and non-polar, at codon 1107 of the ATP13A2 protein (p.Ala1107Val). This variant is present in population databases (rs755307953, gnomAD 0.004%). This variant has not been reported in the literature in individuals affected with ATP13A2-related conditions. ClinVar contains an entry for this variant (Variation ID: 1521402). Invitae Evidence Modeling of protein sequence and biophysical properties (such as structural, functional, and spatial information, amino acid conservation, physicochemical variation, residue mobility, and thermodynamic stability) indicates that this missense variant is not expected to disrupt ATP13A2 protein function with a negative predictive value of 80%. In summary, the available evidence is currently insufficient to determine the role of this variant in disease. Therefore, it has been classified as a Variant of Uncertain Significance.

Ambry Genetics
Classification: Uncertain significance for Inborn genetic diseases. Last evaluated: 2021-05-17. Review status: criteria provided, single submitter. Criteria: Ambry Variant Classification Scheme 2023. Collection method: clinical testing. Allele origin: germline.

NM_022089.4(ATP13A2):c.3320C>T (p.Ala1107Val)

Gene: ATP13A2 (ATPase cation transporting 13A2; minus strand). Cytogenetic location: 1p36.13.
Variant type: single nucleotide variant.
Coding change: c.3320C>T on transcript NM_022089.4 (MANE Select); coding-DNA position 3320, C replaced by T.
Protein change: p.Ala1107Val; replaces alanine 1107 with valine.
Molecular consequence: missense variant. On other transcripts: intron variant (1).
Genome position (GRCh38, 1-based): chr1:16,986,548, G>A on the plus strand (C>T on the coding strand, the complement: ATP13A2 is on the minus strand). VCF-style: chr1-16986548-G-A. GRCh37 (hg19) VCF-style: chr1-17313043-G-A.
Other names: c.3305C>T, p.Ala1102Val (NM_001141973.3); c.3104-190C>T (NM_001141974.3); c.3320C>T (NM_022089.2); short protein forms A1102V, A1107V.
Identifiers: ClinVar variation 1521402 (VCV001521402.7), dbSNP rs755307953, ClinGen allele CA636527.
Genomic context (GRCh38, chr1:16,986,548, plus strand): 5'-TTGAGGGTGACCAGACCCAGCAGCAGCAGCTTGAAGCCGGTGTCAGTGATGTTCCTCAGC[G>A]CCAGCGGCCCCTGCAGGAGGCCGGGGACCAGGACAAGGCCCACCAGGACGGAGCTCAGGA-3'
Protein context (NP_071372.1, residues 1097-1117): LVPGLLQGPL[Ala1107Val]LRNITDTGFK